The following is an entry in ClinVar:

NM_000094.4(COL7A1):c.751C>T (p.Gln251Ter)

Gene: COL7A1 (collagen type VII alpha 1 chain; minus strand). Cytogenetic location: 3p21.31.
Variant type: single nucleotide variant.
Coding change: c.751C>T on transcript NM_000094.4 (MANE Select); coding-DNA position 751, C replaced by T.
Protein change: p.Gln251Ter; replaces glutamine 251 with a stop codon.
Molecular consequence: nonsense.
Genome position (GRCh38, 1-based): chr3:48,592,870, G>A on the plus strand (C>T on the coding strand, the complement: COL7A1 is on the minus strand). VCF-style: chr3-48592870-G-A. GRCh37 (hg19) VCF-style: chr3-48630303-G-A.
Other names: short protein forms Q251*.
Identifiers: ClinVar variation 488684 (VCV000488684.9), dbSNP rs1211890738, ClinGen allele CA352742194.
Genomic context (GRCh38, chr3:48,592,870, plus strand): 5'-CCGTCAGAGGAGTGTACTGGACCTTGTAGCCAGTCACAGGGCCACTGGCCGCTGTCCACT[G>A]TACTCTCAAGGATTGGCTGCTTGGCTCAGACAGCACCAGGTCTCGTGGAGCAGAGGTCGA-3'

ClinVar aggregate classification (germline): Pathogenic. Review status: criteria provided, multiple submitters, no conflicts (2 of 4 stars). 5 submissions from 5 submitters: Pathogenic (5). Last evaluated 2025-10-17.

Conditions:
Epidermolysis bullosa dystrophica. Also called: Dystrophic epidermolysis bullosa, Hallopeau-Siemens type (formerly); Dystrophic epidermolysis bullosa. Identifiers: Orphanet 303, MedGen C0079294, MONDO:0006543.
Pretibial dystrophic epidermolysis bullosa. Also called: EPIDERMOLYSIS BULLOSA DYSTROPHICA, PRETIBIAL; Pretibial epidermolysis bullosa; Pretibial blistering. Identifiers: Orphanet 79410, MedGen C0432321, MONDO:0007552, OMIM 131850, HP:0012221.
Recessive dystrophic epidermolysis bullosa (RDEB). Also called: DYSTROPHIC EPIDERMOLYSIS BULLOSA, AUTOSOMAL RECESSIVE; EPIDERMOLYSIS BULLOSA DYSTROPHICA, HALLOPEAU-SIEMENS TYPE; Recessive DEB (RDEB); EPIDERMOLYSIS BULLOSA DYSTROPHICA, GENERALIZED SEVERE, AUTOSOMAL RECESSIVE; Epidermolysis Bullosa Distrophica Autosomal Recessive (RDEB); epidermolysis bullosa dystrophica, autosomal recessive. Identifiers: Orphanet 79408, Orphanet 79409, MedGen C0079474, MONDO:0009179, OMIM 226600.

Allele frequency attached by ClinVar (database versions not stated): gnomAD exomes below 0.00001 and 0.00001.
gnomAD v4.1: 4 of 1,614,076 alleles (0.00025%); highest among the groups gnomAD compares: South Asian, 0.0033%; no homozygotes.

Submissions (5):

Natera, Inc.
Classification: Pathogenic for Dystrophic epidermolysis bullosa. Last evaluated: 2025-10-17. Review status: criteria provided, single submitter. Criteria: Natera Variant Classification Schema (03/2026). Collection method: clinical testing. Allele origin: germline.
Comment: The c.751C>T variant in COL7A1 is a nonsense variant predicted to introduce a stop codon at amino acid 251. This variant is expected to result in nonsense mediated decay, truncation, or a dysfunctional protein product. This variant is rare in the general population with a frequency below the threshold expected for the associated phenotype(s). This variant has been observed in one or more individuals affected with the associated recessive disease, as either homozygous or compound heterozygous with a second variant (PMID: 25703736). Given the available evidence, this variant is classified as Pathogenic.

Myriad Genetics, Inc.
Classification: Pathogenic for Recessive dystrophic epidermolysis bullosa. Last evaluated: 2025-05-15. Review status: criteria provided, single submitter. Criteria: Myriad Autosomal Dominant, Autosomal Recessive and X-Linked Classification Criteria (2023). Collection method: clinical testing. Allele origin: unknown.
Comment: NM_000094.3(COL7A1):c.751C>T(Q251*) is expected to be pathogenic in the context of dystrophic epidermolysis bullosa. This variant is predicted to lead to an abnormal or absent protein product due to the creation of a premature termination codon in COL7A1, a gene where loss-of-function variants are known to be pathogenic. Please note: this variant was assessed in the context of healthy population screening.

Labcorp Genetics (formerly Invitae), Labcorp
Classification: Pathogenic. Last evaluated: 2023-11-20. Review status: criteria provided, single submitter. Criteria: Invitae Variant Classification Sherloc (09022015). Collection method: clinical testing. Allele origin: germline.
Comment: This sequence change creates a premature translational stop signal (p.Gln251*) in the COL7A1 gene. It is expected to result in an absent or disrupted protein product. Loss-of-function variants in COL7A1 are known to be pathogenic (PMID: 16971478). This variant is present in population databases (no rsID available, gnomAD 0.003%). This premature translational stop signal has been observed in individual(s) with autosomal recessive dystrophic epidermolysis bullosa (PMID: 8900535). ClinVar contains an entry for this variant (Variation ID: 488684). Algorithms developed to predict the effect of sequence changes on RNA splicing suggest that this variant may disrupt the consensus splice site. For these reasons, this variant has been classified as Pathogenic.

3billion
Classification: Pathogenic for Pretibial dystrophic epidermolysis bullosa. Last evaluated: 2022-05-22. Review status: criteria provided, single submitter. Criteria: ACMG Guidelines, 2015. Collection method: clinical testing. Allele origin: germline. Affected: yes. Observed: 1 heterozygote.
Comment: The variant is observed at an extremely low frequency in the gnomAD v2.1.1 dataset (total allele frequency: <0.001%). Stop-gained (nonsense): predicted to result in a loss or disruption of normal protein function through nonsense-mediated decay (NMD) or protein truncation. Multiple pathogenic variants are reported downstream of the variant. The variant has been reported to be in trans with a pathogenic variant as either compound heterozygous or homozygous in at least one similarly affected unrelated individual (3billion dataset). It been reported to be associated with COL7A1 related disorder (ClinVar ID: VCV000488684 / PMID: 8900535 / 3billion dataset). Therefore, this variant is classified as pathogenic according to the recommendation of ACMG/AMP guideline.

GeneDx
Classification: Pathogenic. Last evaluated: 2017-05-08. Review status: criteria provided, single submitter. Criteria: GeneDx Variant Classification (06012015). Collection method: clinical testing. Allele origin: germline. Affected: yes.
Comment: The variant is not observed in large population cohorts (Lek et al., 2016; 1000 Genomes Consortium et al., 2015; Exome Variant Server). Q251X is predicted to cause loss of normal protein function either through protein truncation or nonsense-mediated mRNA decay.

Literature cited by the submitters: PubMed 25703736 (cited by Natera, Inc.); PubMed 16971478 (cited by Labcorp Genetics (formerly Invitae), Labcorp); PubMed 8900535 (cited by Labcorp Genetics (formerly Invitae), Labcorp and 3billion).